The following is an entry in ClinVar:

ClinVar aggregate classification (germline): Uncertain significance (1 of 4 stars; one submission).

Conditions:
Familial focal epilepsy with variable foci (FPEVF). Identifiers: Orphanet 98820, MedGen C1858477, MONDO:0020310.

Submission:

Labcorp Genetics (formerly Invitae), Labcorp
Classification: Uncertain significance for Familial focal epilepsy with variable foci. Last evaluated: 2024-07-02. Review status: criteria provided, single submitter. Criteria: Invitae Variant Classification Sherloc (09022015). Collection method: clinical testing. Allele origin: germline.
Comment: This sequence change replaces glutamine, which is neutral and polar, with leucine, which is neutral and non-polar, at codon 83 of the DEPDC5 protein (p.Gln83Leu). This variant is not present in population databases (gnomAD no frequency). This variant has not been reported in the literature in individuals affected with DEPDC5-related conditions. Experimental studies and prediction algorithms are not available or were not evaluated, and the functional significance of this variant is currently unknown. In summary, the available evidence is currently insufficient to determine the role of this variant in disease. Therefore, it has been classified as a Variant of Uncertain Significance.

NM_001242896.3(DEPDC5):c.248A>T (p.Gln83Leu)

Gene: DEPDC5 (DEP domain containing 5, GATOR1 subcomplex subunit; plus strand). Cytogenetic location: 22q12.2.
Variant type: single nucleotide variant.
Coding change: c.248A>T on transcript NM_001242896.3 (MANE Select); coding-DNA position 248, A replaced by T.
Protein change: p.Gln83Leu; replaces glutamine 83 with leucine.
Molecular consequence: missense variant. On other transcripts: non-coding transcript variant (5).
Genome position (GRCh38, 1-based): chr22:31,765,029, A>T. VCF-style: chr22-31765029-A-T. GRCh37 (hg19) VCF-style: chr22-32161015-A-T.
Other names: c.248A>T, p.Gln83Leu (NM_001007188.4, NM_001136029.4, NM_001242897.2 and 9 more transcripts); short protein forms Q83L.
Identifiers: ClinVar variation 3690477 (VCV003690477.2).
Genomic context (GRCh38, chr22:31,765,029, plus strand): 5'-TTTTAGAAACTATCAGTGTGGACCAGACTGTGACTCAAGTGTTCCGGCTGAGACCTTATC[A>T]GGATGTCTATGTTAATGTCGTAGACCCTAAGGTATGTCTTTGTTTTGTACTTGAATATCT-3'
Protein context (NP_001229825.1, residues 73-93): VTQVFRLRPY[Gln83Leu]DVYVNVVDPK